The following is an entry in ClinVar:

NM_003000.3(SDHB):c.766-10T>A

Genes: SDHB (succinate dehydrogenase complex iron sulfur subunit B; minus strand), LOC129929541 (ATAC-STARR-seq lymphoblastoid active region 276; plus strand). Cytogenetic location: 1p36.13.
Variant type: single nucleotide variant.
Coding change: c.766-10T>A on transcript NM_003000.3 (MANE Select); 10 bases into the intron before coding-DNA position 766, T replaced by A.
Molecular consequence: intron variant.
Genome position (GRCh38, 1-based): chr1:17,018,968, A>T on the plus strand (T>A on the coding strand, the complement: SDHB is on the minus strand). VCF-style: chr1-17018968-A-T. GRCh37 (hg19) VCF-style: chr1-17345463-A-T.
Other names: c.712-10T>A (NM_001407361.1).
Identifiers: ClinVar variation 4785300 (VCV004785300.1).

ClinVar aggregate classification (germline): Uncertain significance (1 of 4 stars; one submission).

Conditions:
Pheochromocytoma. Also called: MAX-Related Hereditary Paraganglioma-Pheochromocytoma Syndrome. Identifiers: Orphanet 29072, MedGen C0031511, MONDO:0008233, OMIM 171300, HP:0002666.
Gastrointestinal stromal tumor. Also called: Gastrointestinal stroma tumor; Gastrointestinal stromal tumor, somatic. Identifiers: Orphanet 44890, MedGen C0238198, MeSH D046152, MONDO:0011719, OMIM 606764, HP:0100723.
Pheochromocytoma/paraganglioma syndrome 4. Also called: CAROTID BODY TUMORS AND MULTIPLE EXTRAADRENAL PHEOCHROMOCYTOMAS; PARAGANGLIOMA, FAMILIAL MALIGNANT; PARAGANGLIOMAS, HEREDITARY EXTRAADRENAL; PHEOCHROMOCYTOMA, FAMILIAL EXTRAADRENAL; Paragangliomas 4; SDHB-Related Hereditary Paraganglioma-Pheochromocytoma Syndrome (Paragangliomas 4). Identifiers: Orphanet 29072, MedGen C1861848, MONDO:0007273, OMIM 115310.

Submission:

Labcorp Genetics (formerly Invitae), Labcorp
Classification: Uncertain significance for Gastrointestinal stromal tumor; Pheochromocytoma/paraganglioma syndrome 4; Pheochromocytoma. Last evaluated: 2025-06-15. Review status: criteria provided, single submitter. Criteria: Invitae Variant Classification Sherloc (09022015). Collection method: clinical testing. Allele origin: germline.
Comment: This sequence change falls in intron 7 of the SDHB gene. It does not directly change the encoded amino acid sequence of the SDHB protein. This variant is not present in population databases (gnomAD no frequency). This variant has not been reported in the literature in individuals affected with SDHB-related conditions. Algorithms developed to predict the effect of sequence changes on RNA splicing suggest that this variant may disrupt the consensus splice site. In summary, the available evidence is currently insufficient to determine the role of this variant in disease. Therefore, it has been classified as a Variant of Uncertain Significance.